The following is an entry in ClinVar:

NM_001365951.3(KIF1B):c.2893G>T (p.Asp965Tyr)

Genes: KIF1B (kinesin family member 1B; plus strand), LOC126805614 (BRD4-independent group 4 enhancer GRCh37_chr1:10385546-10386745; plus strand). Cytogenetic location: 1p36.22.
Variant type: single nucleotide variant.
Coding change: c.2893G>T on transcript NM_001365951.3 (MANE Select); coding-DNA position 2893, G replaced by T.
Protein change: p.Asp965Tyr; replaces aspartic acid 965 with tyrosine.
Molecular consequence: missense variant.
Genome position (GRCh38, 1-based): chr1:10,326,328, G>T. VCF-style: chr1-10326328-G-T. GRCh37 (hg19) VCF-style: chr1-10386386-G-T.
Other names: c.2893G>T, p.Asp965Tyr (NM_001365952.1); c.2755G>T, p.Asp919Tyr (NM_015074.3); short protein forms D965Y, D919Y.
Identifiers: ClinVar variation 3288435 (VCV003288435.1).
Genomic context (GRCh38, chr1:10,326,328, plus strand): 5'-TCTGACGCAGGGACGGAGGAGGGATCAGATCTCTTCAGTGACGGGCATGACCCGTTTTAC[G>T]ACCGATCCCCTTGGTTCATTTTAGTGGGAAGGTTGGTGAGGTTATTGTGAGAAAGGCGAA-3'
Protein context (NP_001352880.1, residues 955-975): LFSDGHDPFY[Asp965Tyr]RSPWFILVGR

ClinVar aggregate classification (germline): Uncertain significance (1 of 4 stars; one submission).

gnomAD v4.1: 1 of 1,614,164 alleles (0.000062%); highest among the groups gnomAD compares: South Asian, 0.0011%; no homozygotes.

Submission:

Ambry Genetics
Classification: Uncertain significance. Last evaluated: 2024-05-04. Review status: criteria provided, single submitter. Criteria: Ambry Variant Classification Scheme 2023. Collection method: clinical testing. Allele origin: germline.
Comment: The p.D919Y variant (also known as c.2755G>T), located in coding exon 24 of the KIF1B gene, results from a G to T substitution at nucleotide position 2755. The aspartic acid at codon 919 is replaced by tyrosine, an amino acid with highly dissimilar properties. This amino acid position is conserved. In addition, this alteration is predicted to be deleterious by in silico analysis. Based on the available evidence, the clinical significance of this variant remains unclear.